The following is an entry in ClinVar:

ClinVar aggregate classification (germline): Pathogenic (1 of 4 stars; one submission).

Conditions:
Parathyroid carcinoma (PRTC). Also called: CDC73-Related Parathyroid Carcinoma; Parathyroid gland carcinoma. Identifiers: Orphanet 143, MedGen C0687150, MONDO:0012004, OMIM 608266, HP:0006780.

Submission:

Labcorp Genetics (formerly Invitae), Labcorp
Classification: Pathogenic for Parathyroid carcinoma. Last evaluated: 2024-02-01. Review status: criteria provided, single submitter. Criteria: Invitae Variant Classification Sherloc (09022015). Collection method: clinical testing. Allele origin: germline.
Comment: This sequence change creates a premature translational stop signal (p.His68Thrfs*41) in the CDC73 gene. It is expected to result in an absent or disrupted protein product. Loss-of-function variants in CDC73 are known to be pathogenic (PMID: 12434154). This variant is not present in population databases (gnomAD no frequency). This variant has not been reported in the literature in individuals affected with CDC73-related conditions. ClinVar contains an entry for this variant (Variation ID: 1452911). For these reasons, this variant has been classified as Pathogenic.

Literature cited by the submitters: PubMed 12434154.

NM_024529.5(CDC73):c.201del (p.His68fs)

Gene: CDC73 (cell division cycle 73; plus strand). Cytogenetic location: 1q31.2.
Variant type: Deletion.
Coding change: c.201del on transcript NM_024529.5 (MANE Select); coding-DNA position 201, one base deleted (G; older notation c.201delG).
Protein change: p.His68fs; shifts the reading frame from histidine 68.
Molecular consequence: frameshift variant.
Genome position (GRCh38, 1-based): chr1:193,125,181, G deleted. VCF-style (leftmost placement, unchanged base first): chr1-193125180-TG-T. GRCh37 (hg19) VCF-style: chr1-193094310-TG-T.
Other names: short protein forms H68fs.
Identifiers: ClinVar variation 1452911 (VCV001452911.6), dbSNP rs2103114004, ClinGen allele CA2573131361.